The following is an entry in ClinVar:

ClinVar aggregate classification (germline): Uncertain significance. Review status: criteria provided, multiple submitters, no conflicts (2 of 4 stars). 3 submissions from 3 submitters: Uncertain significance (3). Last evaluated 2026-01-24.

Conditions:
Inborn genetic diseases. Identifiers: MedGen C0950123, MeSH D030342.
Cerebroretinal microangiopathy with calcifications and cysts 2 (CRMCC2). Identifiers: MedGen C4479220, MONDO:0015026, OMIM 617341.

Allele frequency attached by ClinVar (database versions not stated): ESP Exome Variant Server 0.00031; TOPMed 0.00034; gnomAD 0.00036 and 0.00038; gnomAD exomes 0.00040 and 0.00053; ExAC 0.00041.
gnomAD v4.1: 813 of 1,610,356 alleles (0.05%); highest among the groups gnomAD compares: Middle Eastern, 0.13%; no homozygotes.

Submissions (3):

Labcorp Genetics (formerly Invitae), Labcorp
Classification: Uncertain significance. Last evaluated: 2026-01-24. Review status: criteria provided, single submitter. Criteria: Invitae Variant Classification Sherloc (09022015). Collection method: clinical testing. Allele origin: germline.
Comment: This sequence change replaces alanine, which is neutral and non-polar, with valine, which is neutral and non-polar, at codon 367 of the STN1 protein (p.Ala367Val). This variant is present in population databases (rs140449924, gnomAD 0.1%). This variant has not been reported in the literature in individuals affected with STN1-related conditions. ClinVar contains an entry for this variant (Variation ID: 1028354). An algorithm developed to predict the effect of missense changes on protein structure and function (PolyPhen-2) suggests that this variant is likely to be disruptive. In summary, the available evidence is currently insufficient to determine the role of this variant in disease. Therefore, it has been classified as a Variant of Uncertain Significance.

Ambry Genetics
Classification: Uncertain significance for Inborn genetic diseases. Last evaluated: 2025-01-20. Review status: criteria provided, single submitter. Criteria: Ambry Variant Classification Scheme 2023. Collection method: clinical testing. Allele origin: germline.

Baylor Genetics
Classification: Uncertain significance for Cerebroretinal microangiopathy with calcifications and cysts 2. Last evaluated: 2019-01-30. Review status: criteria provided, single submitter. Criteria: ACMG Guidelines, 2015. Collection method: clinical testing. Allele origin: paternal. Affected: yes.
Comment: This variant was determined to be of uncertain significance according to ACMG Guidelines, 2015 [PMID:25741868].

NM_024928.5(STN1):c.1100C>T (p.Ala367Val)

Gene: STN1 (STN1 subunit of CST complex; minus strand). Cytogenetic location: 10q24.33.
Variant type: single nucleotide variant.
Coding change: c.1100C>T on transcript NM_024928.5 (MANE Select); coding-DNA position 1100, C replaced by T.
Protein change: p.Ala367Val; replaces alanine 367 with valine.
Molecular consequence: missense variant.
Genome position (GRCh38, 1-based): chr10:103,882,691, G>A on the plus strand (C>T on the coding strand, the complement: STN1 is on the minus strand). VCF-style: chr10-103882691-G-A. GRCh37 (hg19) VCF-style: chr10-105642449-G-A.
Other names: short protein forms A367V.
Identifiers: ClinVar variation 1028354 (VCV001028354.8), dbSNP rs140449924, ClinGen allele CA5676406.